The following is an entry in ClinVar:

NM_015047.3(EMC1):c.2414_2415del (p.Phe805fs)

Genes: EMC1 (ER membrane protein complex subunit 1; minus strand), EMC1-AS1 (EMC1 antisense RNA 1; plus strand). Cytogenetic location: 1p36.13.
Variant type: Deletion.
Coding change: c.2414_2415del on transcript NM_015047.3 (MANE Select); coding-DNA positions 2414 to 2415, 2 bases deleted (TT; older notation c.2414_2415delTT).
Protein change: p.Phe805fs; shifts the reading frame from phenylalanine 805.
Molecular consequence: frameshift variant.
Genome position (GRCh38, 1-based): chr1:19,222,796-19,222,797, AA deleted on the plus strand (TT on the coding strand, the reverse complement: EMC1 is on the minus strand); deleting any 2 consecutive bases within chr1:19,222,796-19,222,798 gives the same sequence; the c. name uses the placement nearest the transcript's 3' end. VCF-style (leftmost placement, unchanged base first): chr1-19222795-TAA-T. GRCh37 (hg19) VCF-style: chr1-19549289-TAA-T.
Other names: c.2411_2412del, p.Phe804fs (NM_001271427.2, NM_001271428.2); c.2348_2349del, p.Phe783fs (NM_001271429.2); c.2423_2424del, p.Phe808fs (NM_001375820.1); c.2420_2421del, p.Phe807fs (NM_001375821.1); short protein forms F804fs, F805fs, F783fs, F807fs, F808fs.
Identifiers: ClinVar variation 4715452 (VCV004715452.1).

ClinVar aggregate classification (germline): Pathogenic (1 of 4 stars; one submission).

Submission:

Labcorp Genetics (formerly Invitae), Labcorp
Classification: Pathogenic. Last evaluated: 2025-03-19. Review status: criteria provided, single submitter. Criteria: Invitae Variant Classification Sherloc (09022015). Collection method: clinical testing. Allele origin: germline.
Comment: This sequence change creates a premature translational stop signal (p.Phe805Tyrfs*7) in the EMC1 gene. It is expected to result in an absent or disrupted protein product. Loss-of-function variants in EMC1 are known to be pathogenic (PMID: 26572623, 26942288, 29271071). This variant is not present in population databases (gnomAD no frequency). This variant has not been reported in the literature in individuals affected with EMC1-related conditions. For these reasons, this variant has been classified as Pathogenic.

Literature cited by the submitters: PubMed 26572623; PubMed 26942288; PubMed 29271071.